The following is an entry in ClinVar:

NM_000451.3:c.(?_-692)_(-433+1_-432-1)del

Gene: SHOX (short stature homeobox; plus strand).
Variant type: Deletion.
Identifiers: ClinVar variation 2445832 (VCV002445832.1).

ClinVar aggregate classification (germline): Uncertain significance (1 of 4 stars; one submission).

Submission:

Women's Health and Genetics/Laboratory Corporation of America, LabCorp
Classification: Uncertain significance. Last evaluated: 2023-02-14. Review status: criteria provided, single submitter. Criteria: LabCorp Variant Classification Summary - May 2015. Collection method: clinical testing. Allele origin: germline.
Comment: Variant summary: SHOX c.(?_-692)_(-433+1_-432-1)del is located in the untranscribed region upstream of the SHOX gene region and involves exon 1. A presumed nomenclature of c.(?_-692)_(-433+1_-432-1)del has been designated for the purposes of this classification. The SHOX gene is located in a pseudoautosomal region of the X and Y chromosomes, and a similar variant allele encompassing the deletion of exon 1 was found at a frequency of 0.00065 in 21646 control chromosomes, predominantly at a frequency of 0.0054 within the East Asian subpopulation in the gnomAD Structural Variants database. The observed variant frequency within East Asian control individuals in the gnomAD database is approximately 11-fold of the estimated maximal expected allele frequency for a pathogenic variant in SHOX causing Short Stature phenotype (0.0005), suggesting that the variant is a benign polymorphism found primarily in populations of East Asian origin. However, deletion of exon 1 has been reported in individuals affected with Short Stature and was indicated to segregate with disease in at least one family (Shima_2016, Funari_2019). Since the expressivity of SHOX deficiency is highly variable (see e.g. PMID: 21325865), these data indicate that the variant may be associated with Short Stature, but it is unclear if it could contribute to more severe phenotypes. To our knowledge, no experimental evidence demonstrating an impact on protein function has been reported. No clinical diagnostic laboratories have submitted clinical-significance assessments for this variant to ClinVar after 2014. Based on the evidence outlined above, the variant was classified as VUS-possibly pathogenic for Short Stature phenotype.

Literature cited by the submitters: PubMed 31219618; PubMed 24689071; PubMed 26984564.